The following is an entry in ClinVar:

ClinVar aggregate classification (germline): Pathogenic (1 of 4 stars; one submission).

Submission:

GeneDx
Classification: Pathogenic. Last evaluated: 2016-02-23. Review status: criteria provided, single submitter. Criteria: GeneDx Variant Classification (06012015). Collection method: clinical testing. Allele origin: germline. Affected: yes.
Comment: This variant is predicted to cause loss of normal protein function either through protein truncation or nonsense-mediated mRNA decay. The E69X variant was not observed in approximately 6500 individuals of European and African American ancestry in the NHLBI Exome Sequencing Project, indicating it is not a common benign variant in these populations. We interpret E69X as a pathogenic variant.

NM_004586.3(RPS6KA3):c.205G>T (p.Glu69Ter)

Gene: RPS6KA3 (ribosomal protein S6 kinase A3; minus strand). Cytogenetic location: Xp22.12.
Variant type: single nucleotide variant.
Coding change: c.205G>T on transcript NM_004586.3 (MANE Select); coding-DNA position 205, G replaced by T.
Protein change: p.Glu69Ter; replaces glutamic acid 69 with a stop codon.
Molecular consequence: nonsense.
Genome position (GRCh38, 1-based): chrX:20,209,326, C>A on the plus strand (G>T on the coding strand, the complement: RPS6KA3 is on the minus strand). VCF-style: chrX-20209326-C-A. GRCh37 (hg19) VCF-style: chrX-20227444-C-A.
Other names: short protein forms E69*.
Identifiers: ClinVar variation 280030 (VCV000280030.2), dbSNP rs886041331, ClinGen allele CA10603428.
Genomic context (GRCh38, chrX:20,209,326, plus strand): 5'-AAAGCACACACTCATGACTTACCTTTCCAAATGATCCCTGCCCTAATACTTTTAAAAGTT[C>A]AAACTGGGAAGGATCTGCCTTTTCATGTCCTTCCTTTACATGATGTGTGATTGCAATTTC-3'